The following is an entry in ClinVar:

NM_002890.3(RASA1):c.539+5G>A

Gene: RASA1 (RAS p21 protein activator 1; plus strand). Cytogenetic location: 5q14.3.
Variant type: single nucleotide variant.
Coding change: c.539+5G>A on transcript NM_002890.3 (MANE Select); 5 bases into the intron after coding-DNA position 539, G replaced by A.
Molecular consequence: intron variant. On other transcripts: 5 prime UTR variant (1).
Genome position (GRCh38, 1-based): chr5:87,268,995, G>A. VCF-style: chr5-87268995-G-A. GRCh37 (hg19) VCF-style: chr5-86564812-G-A.
Other names: c.-53G>A (NM_022650.3).
Identifiers: ClinVar variation 373353 (VCV000373353.1), dbSNP rs1057518367, ClinGen allele CA16042610.

ClinVar aggregate classification (germline): Likely pathogenic (1 of 4 stars; one submission).

Allele frequency attached by ClinVar (database versions not stated): gnomAD exomes below 0.00001.
gnomAD v4.1: 1 of 1,614,252 alleles (0.000062%); no homozygotes.

Submission:

GeneDx
Classification: Likely pathogenic. Last evaluated: 2016-11-21. Review status: criteria provided, single submitter. Criteria: GeneDx Variant Classification (06012015). Collection method: clinical testing. Allele origin: germline. Affected: yes.
Comment: The c.539+5 G>A variant in the RASA1 gene has not been reported as a pathogenic or benign variant to our knowledge; however, it destroys the splice donor site of intron one and is predicted to cause abnormal gene splicing. Other splice site variants in the RASA1 gene have been reported in HGMD in association with CM-AVM (Stenson et al., 2014). Furthermore, the c.539+5 G>A variant was not observed in approximately 6,400 individuals of European and African American ancestry in the NHLBI Exome Sequencing Project or in the Exome Aggregation Consortium, indicating it is not a common benign variant in these populations.